The following is an entry in ClinVar:

ClinVar aggregate classification (germline): Uncertain significance. Review status: reviewed by expert panel (3 of 4 stars). 2 submissions from 2 submitters: Uncertain significance (1). 1 of the submissions does not count toward it. Last evaluated 2025-08-26.

Conditions:
Nonsyndromic genetic hearing loss. Also called: Nonsyndromic hearing loss and deafness; Nonsyndromic genetic deafness; Non-syndromic genetic deafness. Identifiers: Orphanet 87884, MedGen C5680182, MONDO:0019497.
Autosomal dominant nonsyndromic hearing loss 9. Identifiers: Orphanet 90635, MedGen C1832425, MONDO:0011058, OMIM 601369.

Allele frequency attached by ClinVar (database versions not stated): gnomAD exomes 0.00001.
gnomAD v4.1: 7 of 1,614,082 alleles (0.00043%); highest among the groups gnomAD compares: East Asian, 0.016%; no homozygotes.

Submissions (2):

ClinGen Hearing Loss Variant Curation Expert Panel
Classification: Uncertain significance for Nonsyndromic genetic hearing loss. Last evaluated: 2025-08-26. Review status: reviewed by expert panel. Criteria: Clingen Hl Acmg Specifications Cdh23 Coch Gjb2 Kcnq4 Myo6 Myo7a Slc26a4 Tecta Ush2a V2. Collection method: curation. Allele origin: germline. Inheritance: Autosomal dominant inheritance.
Comment: The c.355G>A (NM_004086.3) variant in COCH gene is a missense variant predicted to cause substitution of alanine by threonine at amino acid 119 p.(Ala119Thr). The highest population minor allele frequency in gnomAD v.4 is 0.08199% (7/44876 alleles) in the East Asian population (PM2_Supporting, BS1, and BA1 are not met). The computational Revel gives a score of 0.394, which is neither above nor below the thresholds predicting a damaging or benign impact on COCH function. Functional studies show no differences between wild-type and p.A119T variant cochlin localization and secretion (PMID: 25230692) (BS3_Supporting). In summary, this variant meets the criteria to be classified as uncertain significance for autosomal dominant nonsyndromic hearing loss based on the ACMG/AMPcriteria applied, as specified by the ClinGen ClinGen Hearing Loss VCEP: (BS3_Supporting) (Hearing Loss VCEP specifications version 2; 8/26/2025)

OMIM
Classification: Pathogenic for DEAFNESS, AUTOSOMAL DOMINANT 9. Last evaluated: 2003-10-01. Review status: no assertion criteria provided. Collection method: literature only. Allele origin: germline. Not counted in ClinVar's aggregate classification.

Literature cited by the submitters: PubMed 25230692 (cited by ClinGen Hearing Loss Variant Curation Expert Panel); PubMed 14512963 (cited by OMIM).

NM_004086.3(COCH):c.355G>A (p.Ala119Thr)

Genes: COCH (cochlin; plus strand), COCH-AS1 (COCH antisense RNA 1; minus strand). Cytogenetic location: 14q12.
Variant type: single nucleotide variant.
Coding change: c.355G>A on transcript NM_004086.3 (MANE Select); coding-DNA position 355, G replaced by A.
Protein change: p.Ala119Thr; replaces alanine 119 with threonine.
Molecular consequence: missense variant.
Genome position (GRCh38, 1-based): chr14:30,878,926, G>A. VCF-style: chr14-30878926-G-A. GRCh37 (hg19) VCF-style: chr14-31348132-G-A.
Other names: NM_004086.2(COCH):c.355G>A(p.Ala119Thr); NM_004086.2(COCH):c.355G>A; c.355G>A, p.Ala119Thr (NM_001135058.2); c.550G>A, p.Ala184Thr (NM_001347720.2); short protein forms A119T, A184T.
Identifiers: ClinVar variation 6613 (VCV000006613.6), dbSNP rs121908931, ClinGen allele CA253893.